The following is an entry in ClinVar:

NM_001371986.1(UNC80):c.1108C>T (p.Pro370Ser)

Gene: UNC80 (unc-80 subunit of NALCN channel complex; plus strand). Cytogenetic location: 2q34.
Variant type: single nucleotide variant.
Coding change: c.1108C>T on transcript NM_001371986.1 (MANE Select); coding-DNA position 1108, C replaced by T.
Protein change: p.Pro370Ser; replaces proline 370 with serine.
Molecular consequence: missense variant.
Genome position (GRCh38, 1-based): chr2:209,813,749, C>T. VCF-style: chr2-209813749-C-T. GRCh37 (hg19) VCF-style: chr2-210678473-C-T.
Other names: c.1108C>T, p.Pro370Ser (NM_032504.2, NM_182587.4); short protein forms P370S.
Identifiers: ClinVar variation 2000553 (VCV002000553.4), dbSNP rs758499711, ClinGen allele CA350133335.

ClinVar aggregate classification (germline): Uncertain significance (1 of 4 stars; one submission).

Submission:

Labcorp Genetics (formerly Invitae), Labcorp
Classification: Uncertain significance. Last evaluated: 2024-10-23. Review status: criteria provided, single submitter. Criteria: Invitae Variant Classification Sherloc (09022015). Collection method: clinical testing. Allele origin: germline.
Comment: This sequence change replaces proline, which is neutral and non-polar, with serine, which is neutral and polar, at codon 370 of the UNC80 protein (p.Pro370Ser). This variant is not present in population databases (gnomAD no frequency). This variant has not been reported in the literature in individuals affected with UNC80-related conditions. ClinVar contains an entry for this variant (Variation ID: 2000553). An algorithm developed to predict the effect of missense changes on protein structure and function outputs the following: PolyPhen-2: "Benign". The serine amino acid residue is found in multiple mammalian species, which suggests that this missense change does not adversely affect protein function. In summary, the available evidence is currently insufficient to determine the role of this variant in disease. Therefore, it has been classified as a Variant of Uncertain Significance.